The following is an entry in ClinVar:

ClinVar aggregate classification (germline): Uncertain significance (1 of 4 stars; one submission).

Conditions:
Evans syndrome, immunodeficiency, and premature immunosenescence associated with tripeptidyl-peptidase II deficiency. Identifiers: MedGen CN231723. Disease mechanism: loss of function.

Allele frequency attached by ClinVar (database versions not stated): gnomAD exomes below 0.00001.
gnomAD v4.1: 1 of 1,612,552 alleles (0.000062%); highest among the groups gnomAD compares: Non-Finnish European, 0.000085%; no homozygotes.

Submission:

Labcorp Genetics (formerly Invitae), Labcorp
Classification: Uncertain significance for Evans syndrome, immunodeficiency, and premature immunosenescence associated with tripeptidyl-peptidase II deficiency. Last evaluated: 2019-12-27. Review status: criteria provided, single submitter. Criteria: Invitae Variant Classification Sherloc (09022015). Collection method: clinical testing. Allele origin: germline.
Comment: In summary, the available evidence is currently insufficient to determine the role of this variant in disease. Therefore, it has been classified as a Variant of Uncertain Significance. Algorithms developed to predict the effect of missense changes on protein structure and function (SIFT, PolyPhen-2, Align-GVGD) all suggest that this variant is likely to be tolerated, but these predictions have not been confirmed by published functional studies and their clinical significance is uncertain. This variant has not been reported in the literature in individuals with TPP2-related conditions. This variant is not present in population databases (ExAC no frequency). This sequence change replaces asparagine with aspartic acid at codon 337 of the TPP2 protein (p.Asn337Asp). The asparagine residue is highly conserved and there is a small physicochemical difference between asparagine and aspartic acid.

NM_001330588.2(TPP2):c.1009A>G (p.Asn337Asp)

Gene: TPP2 (tripeptidyl peptidase 2; plus strand). Cytogenetic location: 13q33.1.
Variant type: single nucleotide variant.
Coding change: c.1009A>G on transcript NM_001330588.2 (MANE Select); coding-DNA position 1009, A replaced by G.
Protein change: p.Asn337Asp; replaces asparagine 337 with aspartic acid.
Molecular consequence: missense variant. On other transcripts: non-coding transcript variant (1).
Genome position (GRCh38, 1-based): chr13:102,627,917, A>G. VCF-style: chr13-102627917-A-G. GRCh37 (hg19) VCF-style: chr13-103280267-A-G.
Other names: c.1009A>G, p.Asn337Asp (NM_001367947.1, NM_003291.4); short protein forms N337D.
Identifiers: ClinVar variation 838567 (VCV000838567.10), dbSNP rs1881753619, ClinGen allele CA388481031.